The following is an entry in ClinVar:

ClinVar aggregate classification (germline): Uncertain significance (1 of 4 stars; one submission).

Allele frequency attached by ClinVar (database versions not stated): gnomAD exomes below 0.00001; ExAC 0.00001.
gnomAD v4.1: 2 of 1,603,384 alleles (0.00012%); highest among the groups gnomAD compares: South Asian, 0.0011%; no homozygotes.

Submission:

GeneDx
Classification: Uncertain significance. Last evaluated: 2017-03-27. Review status: criteria provided, single submitter. Criteria: GeneDx Variant Classification (06012015). Collection method: clinical testing. Allele origin: germline. Affected: yes.
Comment: The L357V variant has not been published as a pathogenic variant, nor has it been reported as a benign variant to our knowledge. The variant is not observed at a significant frequency in large population cohorts (Lek et al., 2016; 1000 Genomes Consortium et al., 2015; Exome Variant Server). However, L357V is a conservative amino acid substitution, which is not likely to impact secondary protein structure as these residues share similar properties. This substitution occurs at a position where amino acids with similar properties to Leucine are tolerated across species. In silico analysis is inconsistent in its predictions as to whether or not the variant is damaging to the protein structure/function. In summary, based on the currently available information, it is unclear whether this variant is a pathogenic variant or a rare benign variant.

NM_002838.5(PTPRC):c.1075C>G (p.Leu359Val)

Gene: PTPRC (protein tyrosine phosphatase receptor type C; plus strand). Cytogenetic location: 1q32.1.
Variant type: single nucleotide variant.
Coding change: c.1075C>G on transcript NM_002838.5 (MANE Select); coding-DNA position 1075, C replaced by G.
Protein change: p.Leu359Val; replaces leucine 359 with valine.
Molecular consequence: missense variant.
Genome position (GRCh38, 1-based): chr1:198,709,728, C>G. VCF-style: chr1-198709728-C-G. GRCh37 (hg19) VCF-style: chr1-198678857-C-G.
Other names: c.592C>G, p.Leu198Val (NM_080921.4); short protein forms L359V, L198V.
Identifiers: ClinVar variation 424433 (VCV000424433.2), dbSNP rs751785635, ClinGen allele CA1314698.